The following is an entry in ClinVar:

NM_000540.3(RYR1):c.7615-8C>T

Gene: RYR1 (ryanodine receptor 1; plus strand). Cytogenetic location: 19q13.2.
Variant type: single nucleotide variant.
Coding change: c.7615-8C>T on transcript NM_000540.3 (MANE Select); 8 bases into the intron before coding-DNA position 7615, C replaced by T.
Molecular consequence: intron variant.
Genome position (GRCh38, 1-based): chr19:38,502,499, C>T. VCF-style: chr19-38502499-C-T. GRCh37 (hg19) VCF-style: chr19-38993139-C-T.
Other names: c.7615-8C>T (NM_001042723.2).
Identifiers: ClinVar variation 2166641 (VCV002166641.6), dbSNP rs769486294, ClinGen allele CA069871.

ClinVar aggregate classification (germline): Likely benign. Review status: criteria provided, multiple submitters, no conflicts (2 of 4 stars). 3 submissions from 3 submitters: Likely benign (3). Last evaluated 2025-09-24.

Conditions:
Malignant hyperthermia, susceptibility to, 1 (MHS1). Also called: RYR1-Related Malignant Hyperthermia Susceptibility; Malignant hyperthermia suceptibility 1; Anesthesia related hyperthermia; Malignant hyperpyrexia; Fulminating hyperpyrexia; Pharmacogenic myopathy. Identifiers: Orphanet 423, MedGen C2930980, MONDO:0007783, OMIM 145600.
RYR1-related disorder. Also called: RYR1-related condition; RYR1-related disorders. Identifiers: MedGen CN239331.

Allele frequency attached by ClinVar (database versions not stated): ExAC 0.00001; TOPMed 0.00003.
gnomAD v4.1: 12 of 1,603,240 alleles (0.00075%); highest among the groups gnomAD compares: Middle Eastern, 0.034%; no homozygotes.

Submissions (3):

Labcorp Genetics (formerly Invitae), Labcorp
Classification: Likely benign for RYR1-related disorder. Last evaluated: 2025-09-24. Review status: criteria provided, single submitter. Criteria: Invitae Variant Classification Sherloc (09022015). Collection method: clinical testing. Allele origin: germline.

All of Us Research Program, National Institutes of Health
Classification: Likely benign for Malignant hyperthermia, susceptibility to, 1. Last evaluated: 2023-10-06. Review status: criteria provided, single submitter. Criteria: ACMG Guidelines, 2015. Collection method: clinical testing. Allele origin: germline. Inheritance: Autosomal dominant inheritance. Observed: 4 variant alleles, 4 heterozygotes.
Comment: This study involves interpretation of variants in research participants for the purpose of population health screening. Participant phenotype was not available at the time of variant classification. Additional details can be found in publication PMID: 35346344, PMCID: PMC8962531

Color Diagnostics, LLC DBA Color Health
Classification: Likely benign for Malignant hyperthermia, susceptibility to, 1. Last evaluated: 2022-12-12. Review status: criteria provided, single submitter. Criteria: ACMG Guidelines, 2015. Collection method: clinical testing. Allele origin: germline.